The following is an entry in ClinVar:

ClinVar aggregate classification (germline): Pathogenic. Review status: criteria provided, multiple submitters, no conflicts (2 of 4 stars). 11 submissions from 11 submitters: Pathogenic (10). 1 of the submissions does not count toward it. Last evaluated 2025-07-01.

Conditions:
WAS-related disorder. Also called: WAS-Related Disorders; WAS-related condition. Identifiers: MedGen CN381538.
Wiskott-Aldrich syndrome (WAS). Also called: WISKOTT-ALDRICH SYNDROME 1; ALDRICH SYNDROME; IMMUNODEFICIENCY 2; Wiskott-aldrich syndrome, somatic. Identifiers: Orphanet 906, MedGen C0043194, MONDO:0010518, OMIM 301000.
Thrombocytopenia 1. Also called: THROMBOCYTOPENIA, X-LINKED, 1; X-linked thrombocytopenia with normal platelets; X-Linked Thrombocytopenia (XLT). Identifiers: Orphanet 268322, Orphanet 852, MedGen C1839163, MONDO:0010743, OMIM 313900.
X-linked severe congenital neutropenia (SCNX). Identifiers: Orphanet 86788, MedGen C1845987, MONDO:0010294, OMIM 300299.

Allele frequency attached by ClinVar (database versions not stated): gnomAD exomes below 0.00001.
gnomAD v4.1: 1 of 1,207,400 alleles (0.000083%); highest among the groups gnomAD compares: Non-Finnish European, 0.00011%; no homozygotes.

Submissions (11):

3billion
Classification: Pathogenic for Wiskott-Aldrich syndrome. Last evaluated: 2025-07-01. Review status: criteria provided, single submitter. Criteria: ACMG Guidelines, 2015. Collection method: clinical testing. Allele origin: germline. Affected: yes.
Comment: The variant is observed at an extremely low frequency in the gnomAD v4.1.0 dataset (total allele frequency: <0.001%). Predicted Consequence/Location: Missense variant Functional studies provide moderate evidence of the variant having a damaging effect on the gene or gene product (PMID: 17213309). In silico tool predictions suggest damaging effect of the variant on gene or gene product [REVEL: 0.92 (>=0.6, sensitivity 0.68 and specificity 0.92); 3Cnet: 0.99 (> 0.75, sensitivity 0.96 and precision 0.92)]. The same nucleotide change resulting in the same amino acid change has been previously reported as pathogenic/likely pathogenic with strong evidence (ClinVar ID: VCV000011115 /PMID: 8069912). Different missense changes at the same codon (p.Arg86Cys, p.Arg86Gly, p.Arg86Leu, p.Arg86Pro, p.Arg86Ser) have been reported as pathogenic/likely pathogenic with strong evidence (ClinVar ID: VCV000011114, VCV000633021, VCV000936334 /PMID: 15284122, 8069912, 8528198, 8682510). Therefore, this variant is classified as Pathogenic according to the recommendation of ACMG/AMP guideline.

Mayo Clinic Laboratories, Mayo Clinic
Classification: Pathogenic. Last evaluated: 2024-12-30. Review status: criteria provided, single submitter. Criteria: ACMG Guidelines, 2015. Collection method: clinical testing. Allele origin: germline. Observed: 1 variant allele.
Comment: PP1, PP3_moderate, PM1, PM2_supporting, PS3, PS4_moderate

Blueprint Genetics
Classification: Pathogenic for WAS-related disorders. Last evaluated: 2024-06-04. Review status: criteria provided, single submitter. Criteria: ACMG Guidelines, 2015. Collection method: clinical testing. Allele origin: germline. Affected: yes. Observed: 2 variant alleles.

Labcorp Genetics (formerly Invitae), Labcorp
Classification: Pathogenic for Wiskott-Aldrich syndrome; X-linked severe congenital neutropenia; Thrombocytopenia 1. Last evaluated: 2024-05-29. Review status: criteria provided, single submitter. Criteria: Invitae Variant Classification Sherloc (09022015). Collection method: clinical testing. Allele origin: germline.
Comment: This sequence change replaces arginine, which is basic and polar, with histidine, which is basic and polar, at codon 86 of the WAS protein (p.Arg86His). This variant is not present in population databases (gnomAD no frequency). This missense change has been observed in individuals with Wiskott-Aldrich syndrome (PMID: 9326235, 12969986, 15284122, 20959042, 22523910, 23033889). It has also been observed to segregate with disease in related individuals. This variant is also known as c.291G>A. ClinVar contains an entry for this variant (Variation ID: 11115). Advanced modeling of protein sequence and biophysical properties (such as structural, functional, and spatial information, amino acid conservation, physicochemical variation, residue mobility, and thermodynamic stability) performed at Invitae indicates that this missense variant is expected to disrupt WAS protein function with a positive predictive value of 80%. Experimental studies have shown that this missense change affects WAS function (PMID: 10202051, 17213309, 19817875). For these reasons, this variant has been classified as Pathogenic.

Genomic Medicine Center of Excellence, King Faisal Specialist Hospital and Research Centre
Classification: Pathogenic for Wiskott-Aldrich syndrome. Last evaluated: 2024-03-29. Review status: criteria provided, single submitter. Criteria: ACMG Guidelines, 2015. Collection method: clinical testing. Allele origin: germline.

GeneDx
Classification: Pathogenic. Last evaluated: 2023-04-28. Review status: criteria provided, single submitter. Criteria: GeneDx Variant Classification Process June 2021. Collection method: clinical testing. Allele origin: germline. Affected: yes.
Comment: Published functional studies demonstrate impaired activity of the WASP-WIP complex, increased rates of degradation, and reduced WIP binding (Rajmohan et al., 2009; Worth et al., 2013); Not observed at significant frequency in large population cohorts (gnomAD); In silico analysis supports that this missense variant has a deleterious effect on protein structure/function; This variant is associated with the following publications: (PMID: 34705590, 31375816, 23160469, 25619343, 14636648, 31130284, 32812413, 35874699, 8069912, 29652993, 34778119, 19817875)

Victorian Clinical Genetics Services, Murdoch Childrens Research Institute
Classification: Pathogenic for Wiskott-Aldrich syndrome. Last evaluated: 2022-06-24. Review status: criteria provided, single submitter. Criteria: ACMG Guidelines, 2015. Collection method: clinical testing. Allele origin: germline. Inheritance: X-linked recessive inheritance. Affected: no.
Comment: Based on the classification scheme VCGS_Germline_v1.3.4, this variant is classified as pathogenic. The following criteria are met: 0103 - Loss of function and gain of function are known mechanisms of disease in this gene and are associated with diseases. Loss-of-function is a known mechanism associated with X-linked thrombocytopenia (XLT; MIM#313900) and Wiskott-Aldrich syndrome (WAS; MIM#301000; PMID: 12969986). While gain-of-function is shown to be associated with severe congenital neutropenia (MIM#300299; PMID: 11242115; 20513746). (I) 0109 - This gene is associated with X-linked recessive disease. (I) 0115 - Variants in this gene are known to have variable expressivity. Affected individuals can show marked inter-/intra-familial variability in clinical manifestations (Gene Reviews) 0200 - Variant is predicted to result in a missense amino acid change from arginine to histidine. (I) 0251 - This variant is heterozygous. (I) 0301 - Variant is absent from gnomAD (both v2 and v3). (SP) 0501 - Missense variant consistently predicted to be damaging by multiple in silico tools and very highly conserved with a minor amino acid change. (SP) 0600 - Variant is located in the annotated WH1 domain (DECIPHER). (I) 0801 - This variant has strong previous evidence of pathogenicity in unrelated individuals. This variant has been reported as pathogenic (5x in ClinVar) and in at least 3 patients with Wiskott-Aldrich syndrome (PMID: 21185603). (SP) 1002 - This variant has moderate functional evidence supporting abnormal protein function. Functional studies demonstrated the mutant protein disrupted interaction with WIP and lead to a severe decrease in protein level; (PMID: 17213309). (SP) 0703 - Multiple other missense variants comparable to the one identified in this case have previous evidence for pathogenicity. Alternative missense changes to glycine, cysteine and leucine have previously been reported in patients with WAS-related conditions (ClinVar, PMID: 21185603; 20173115). (SP) Legend: (SP) - Supporting pathogenic, (I) - Information, (SB) - Supporting benign

Baylor Genetics
Classification: Pathogenic for Wiskott-Aldrich syndrome. Last evaluated: 2020-05-05. Review status: criteria provided, single submitter. Criteria: ACMG Guidelines, 2015. Collection method: clinical testing. Allele origin: unknown. Affected: yes.
Comment: This variant was determined to be pathogenic according to ACMG Guidelines, 2015 [PMID:25741868].

Women's Health and Genetics/Laboratory Corporation of America, LabCorp
Classification: Pathogenic for Wiskott-Aldrich syndrome. Last evaluated: 2018-11-20. Review status: criteria provided, single submitter. Criteria: LabCorp Variant Classification Summary - May 2015. Collection method: clinical testing. Allele origin: germline.
Comment: Variant summary: WAS c.257G>A (p.Arg86His) results in a non-conservative amino acid change located in the EVH1 domain of the encoded protein sequence. Five of five in-silico tools predict a damaging effect of the variant on protein function. The variant was absent in 195436 control chromosomes (gnomAD). c.257G>A has been reported in the literature in multiple individuals from different ethnicities who were affected with Wiskott-Aldrich Syndrome (e.g. Derry 1994, Kolluri 1995, Park 2007, Alapi 2006, Gulacsy 2011). These data indicate that the variant is very likely to be associated with disease. Publications also reported experimental evidence evaluating an impact on protein function, demonstrating a disrupted interaction with WIP and a severe decrease in protein level (with normal mRNA levels) in T cells from a patient (Stewart 1999, de La Fuente 2007). Two ClinVar submissions from clinical diagnostic laboratories (evaluation after 2014) cite the variant as pathogenic. Based on the evidence outlined above, the variant was classified as pathogenic.

ISTH-SSC Genomics in Thrombosis and Hemostasis, KU Leuven, Center for Molecular and Vascular Biology
Classification: Pathogenic for Wiskott-Aldrich syndrome. Review status: criteria provided, single submitter. Criteria: ACMG Guidelines, 2015. Collection method: clinical testing. Allele origin: maternal, de novo. Affected: yes. Observed: 4 hemizygotes.
Comment: GoldVariant submitter: Harald Schulze Institute of Experimental Biomedicine, University Hospital of Würzburg, Würzburg, Germany

OMIM
Classification: Pathogenic for WISKOTT-ALDRICH SYNDROME. Last evaluated: 1996-07-01. Review status: no assertion criteria provided. Collection method: literature only. Allele origin: germline. Not counted in ClinVar's aggregate classification.

Literature cited by the submitters: PubMed 17213309 (cited by 4 submitters); PubMed 15284122 (cited by 3 submitters); PubMed 8069912 (cited by 3 submitters); PubMed 10202051 (cited by 3 submitters); PubMed 10570326 (cited by Mayo Clinic Laboratories, Mayo Clinic); PubMed 11298372 (cited by Mayo Clinic Laboratories, Mayo Clinic); PubMed 14636648 (cited by Mayo Clinic Laboratories, Mayo Clinic); PubMed 16002738 (cited by Mayo Clinic Laboratories, Mayo Clinic); PubMed 16091449 (cited by Mayo Clinic Laboratories, Mayo Clinic); PubMed 18162713 (cited by Mayo Clinic Laboratories, Mayo Clinic and Women's Health and Genetics/Laboratory Corporation of America, LabCorp); PubMed 20173115 (cited by Mayo Clinic Laboratories, Mayo Clinic and Victorian Clinical Genetics Services, Murdoch Childrens Research Institute); PubMed 20546529 (cited by Mayo Clinic Laboratories, Mayo Clinic); PubMed 23160469 (cited by Mayo Clinic Laboratories, Mayo Clinic); PubMed 24210885 (cited by Mayo Clinic Laboratories, Mayo Clinic); PubMed 25898053 (cited by Mayo Clinic Laboratories, Mayo Clinic); PubMed 31130284 (cited by Mayo Clinic Laboratories, Mayo Clinic); PubMed 31375816 (cited by Mayo Clinic Laboratories, Mayo Clinic); PubMed 32812413 (cited by Mayo Clinic Laboratories, Mayo Clinic); PubMed 34705590 (cited by Mayo Clinic Laboratories, Mayo Clinic); PubMed 34778119 (cited by Mayo Clinic Laboratories, Mayo Clinic); PubMed 35874699 (cited by Mayo Clinic Laboratories, Mayo Clinic); PubMed 36790564 (cited by Mayo Clinic Laboratories, Mayo Clinic); PubMed 38523275 (cited by Mayo Clinic Laboratories, Mayo Clinic); PubMed 38579284 (cited by Mayo Clinic Laboratories, Mayo Clinic); PubMed 38641933 (cited by Mayo Clinic Laboratories, Mayo Clinic); PubMed 9326235 (cited by Labcorp Genetics (formerly Invitae), Labcorp); PubMed 12969986 (cited by Labcorp Genetics (formerly Invitae), Labcorp and Victorian Clinical Genetics Services, Murdoch Childrens Research Institute); PubMed 20959042 (cited by Labcorp Genetics (formerly Invitae), Labcorp); PubMed 22523910 (cited by Labcorp Genetics (formerly Invitae), Labcorp); PubMed 23033889 (cited by Labcorp Genetics (formerly Invitae), Labcorp); PubMed 19817875 (cited by Labcorp Genetics (formerly Invitae), Labcorp); PubMed 11242115 (cited by Victorian Clinical Genetics Services, Murdoch Childrens Research Institute); PubMed 20513746 (cited by Victorian Clinical Genetics Services, Murdoch Childrens Research Institute); PubMed 21185603 (cited by Victorian Clinical Genetics Services, Murdoch Childrens Research Institute and Women's Health and Genetics/Laboratory Corporation of America, LabCorp); PubMed 16638962 (cited by Women's Health and Genetics/Laboratory Corporation of America, LabCorp); PubMed 8528198 (cited by Women's Health and Genetics/Laboratory Corporation of America, LabCorp); PubMed 34355501 (cited by ISTH-SSC Genomics in Thrombosis and Hemostasis, KU Leuven, Center for Molecular and Vascular Biology); PubMed 8528199 (cited by OMIM); PubMed 8682510 (cited by OMIM).

NM_000377.3(WAS):c.257G>A (p.Arg86His)

Gene: WAS (WASP actin nucleation promoting factor; plus strand). Cytogenetic location: Xp11.23.
Variant type: single nucleotide variant.
Coding change: c.257G>A on transcript NM_000377.3 (MANE Select); coding-DNA position 257, G replaced by A.
Protein change: p.Arg86His; replaces arginine 86 with histidine.
Molecular consequence: missense variant.
Genome position (GRCh38, 1-based): chrX:48,684,407, G>A. VCF-style: chrX-48684407-G-A. GRCh37 (hg19) VCF-style: chrX-48542796-G-A.
Other names: short protein forms R86H.
Identifiers: ClinVar variation 11115 (VCV000011115.19), dbSNP rs132630268, ClinGen allele CA341003.